The following is an entry in ClinVar:

NM_199420.4(POLQ):c.662T>C (p.Leu221Pro)

Gene: POLQ (DNA polymerase theta; minus strand). Cytogenetic location: 3q13.33.
Variant type: single nucleotide variant.
Coding change: c.662T>C on transcript NM_199420.4 (MANE Select); coding-DNA position 662, T replaced by C.
Protein change: p.Leu221Pro; replaces leucine 221 with proline.
Molecular consequence: missense variant.
Genome position (GRCh38, 1-based): chr3:121,537,178, A>G on the plus strand (T>C on the coding strand, the complement: POLQ is on the minus strand). VCF-style: chr3-121537178-A-G. GRCh37 (hg19) VCF-style: chr3-121256025-A-G.
Other names: short protein forms L221P.
Identifiers: ClinVar variation 3422377 (VCV003422377.1).

ClinVar aggregate classification (germline): Uncertain significance (1 of 4 stars; one submission).

Submission:

Ambry Genetics
Classification: Uncertain significance. Last evaluated: 2024-11-12. Review status: criteria provided, single submitter. Criteria: Ambry Variant Classification Scheme 2023. Collection method: clinical testing. Allele origin: germline.
Comment: The p.L221P variant (also known as c.662T>C), located in coding exon 5 of the POLQ gene, results from a T to C substitution at nucleotide position 662. The leucine at codon 221 is replaced by proline, an amino acid with similar properties. This amino acid position is conserved. In addition, this alteration is predicted to be deleterious by in silico analysis. Based on the available evidence, the clinical significance of this variant remains unclear.